The following is an entry in ClinVar:

NM_020975.6(RET):c.3077C>T (p.Ser1026Phe)

Gene: RET (ret proto-oncogene; plus strand). Cytogenetic location: 10q11.21.
Variant type: single nucleotide variant.
Coding change: c.3077C>T on transcript NM_020975.6 (MANE Select); coding-DNA position 3077, C replaced by T.
Protein change: p.Ser1026Phe; replaces serine 1026 with phenylalanine.
Molecular consequence: missense variant.
Genome position (GRCh38, 1-based): chr10:43,126,612, C>T. VCF-style: chr10-43126612-C-T. GRCh37 (hg19) VCF-style: chr10-43622060-C-T.
Other names: c.3077C>T, p.Ser1026Phe (NM_000323.2, NM_001406743.1, NM_001406744.1 and 4 more transcripts); c.2315C>T, p.Ser772Phe (NM_001355216.2); c.2948C>T, p.Ser983Phe (NM_001406761.1, NM_001406762.1, NM_001406764.1); c.2942C>T, p.Ser981Phe (NM_001406763.1, NM_001406765.1); c.2789C>T, p.Ser930Phe (NM_001406766.1, NM_001406767.1, NM_001406770.1); c.2813C>T, p.Ser938Phe (NM_001406768.1); c.2681C>T, p.Ser894Phe (NM_001406769.1, NM_001406772.1); c.2180C>T, p.Ser727Phe (NM_001406781.1, NM_001406782.1, NM_001406779.1 and 1 more transcripts); and 10 more; short protein forms S772F, S1026F, S591F, S727F, S894F, S938F, S631F, S687F.
Identifiers: ClinVar variation 1370273 (VCV001370273.8), dbSNP rs1588880993, ClinGen allele CA376558342.

ClinVar aggregate classification (germline): Uncertain significance. Review status: criteria provided, multiple submitters, no conflicts (2 of 4 stars). 2 submissions from 2 submitters: Uncertain significance (2). Last evaluated 2026-07-18.

Conditions:
Hereditary cancer-predisposing syndrome. Also called: Hereditary Cancer Syndrome; Neoplastic Syndromes, Hereditary; Hereditary neoplastic syndrome; Tumor predisposition. Identifiers: Orphanet 140162, MedGen C0027672, MeSH D009386, MONDO:0015356.
Multiple endocrine neoplasia, type 2 (MEN2). Identifiers: Orphanet 653, MedGen C4048306, MONDO:0019003. Disease mechanism: gain of function.

Submissions (2):

Ambry Genetics
Classification: Uncertain significance for Hereditary cancer-predisposing syndrome. Last evaluated: 2026-07-18. Review status: criteria provided, single submitter. Criteria: Ambry Variant Classification Scheme 2023. Collection method: clinical testing. Allele origin: germline.
Comment: The p.S1026F variant (also known as c.3077C>T), located in coding exon 19 of the RET gene, results from a C to T substitution at nucleotide position 3077. The serine at codon 1026 is replaced by phenylalanine, an amino acid with highly dissimilar properties. This amino acid position is conserved. In addition, this alteration is predicted to be tolerated by in silico analysis. Based on the available evidence, the clinical significance of this variant remains unclear.

Labcorp Genetics (formerly Invitae), Labcorp
Classification: Uncertain significance for Multiple endocrine neoplasia, type 2. Last evaluated: 2021-11-23. Review status: criteria provided, single submitter. Criteria: Invitae Variant Classification Sherloc (09022015). Collection method: clinical testing. Allele origin: germline.
Comment: Algorithms developed to predict the effect of missense changes on protein structure and function are either unavailable or do not agree on the potential impact of this missense change (SIFT: "Deleterious"; PolyPhen-2: "Probably Damaging"; Align-GVGD: "Class C15"). In summary, the available evidence is currently insufficient to determine the role of this variant in disease. Therefore, it has been classified as a Variant of Uncertain Significance. This variant has not been reported in the literature in individuals affected with RET-related conditions. This variant is not present in population databases (gnomAD no frequency). This sequence change replaces serine, which is neutral and polar, with phenylalanine, which is neutral and non-polar, at codon 1026 of the RET protein (p.Ser1026Phe).